The following is an entry in ClinVar:

NM_000350.3(ABCA4):c.1364T>A (p.Leu455Gln)

Gene: ABCA4 (ATP binding cassette subfamily A member 4; minus strand). Cytogenetic location: 1p22.1.
Variant type: single nucleotide variant.
Coding change: c.1364T>A on transcript NM_000350.3 (MANE Select); coding-DNA position 1364, T replaced by A.
Protein change: p.Leu455Gln; replaces leucine 455 with glutamine.
Molecular consequence: missense variant.
Genome position (GRCh38, 1-based): chr1:94,077,880, A>T on the plus strand (T>A on the coding strand, the complement: ABCA4 is on the minus strand). VCF-style: chr1-94077880-A-T. GRCh37 (hg19) VCF-style: chr1-94543436-A-T.
Other names: c.1364T>A, p.Leu455Gln (NM_001425324.1); short protein forms L455Q.
Identifiers: ClinVar variation 801519 (VCV000801519.8), dbSNP rs1366296798, ClinGen allele CA341282199.

ClinVar aggregate classification (germline): Pathogenic. Review status: criteria provided, multiple submitters, no conflicts (2 of 4 stars). 2 submissions from 2 submitters: Pathogenic (2). Last evaluated 2024-10-29.

Conditions:
Severe early-childhood-onset retinal dystrophy (STGD1). Also called: Stargardt macular dystrophy; Juvenile onset macular degeneration; Stargardt disease 1; MACULAR DYSTROPHY WITH FLECKS, TYPE 1; STGD. Identifiers: Orphanet 364055, Orphanet 827, MedGen C1855465, MeSH D000080362, MONDO:0009549, OMIM 248200.

Allele frequency attached by ClinVar (database versions not stated): gnomAD 0.00001; TOPMed below 0.00001.

Submissions (2):

Labcorp Genetics (formerly Invitae), Labcorp
Classification: Pathogenic. Last evaluated: 2024-10-29. Review status: criteria provided, single submitter. Criteria: Invitae Variant Classification Sherloc (09022015). Collection method: clinical testing. Allele origin: germline.
Comment: This sequence change replaces leucine, which is neutral and non-polar, with glutamine, which is neutral and polar, at codon 455 of the ABCA4 protein (p.Leu455Gln). This variant is not present in population databases (gnomAD no frequency). This missense change has been observed in individual(s) with Stargardt disease (PMID: 30093795, 32619608). In at least one individual the data is consistent with being in trans (on the opposite chromosome) from a pathogenic variant. ClinVar contains an entry for this variant (Variation ID: 801519). Invitae Evidence Modeling of protein sequence and biophysical properties (such as structural, functional, and spatial information, amino acid conservation, physicochemical variation, residue mobility, and thermodynamic stability) indicates that this missense variant is expected to disrupt ABCA4 protein function with a positive predictive value of 95%. For these reasons, this variant has been classified as Pathogenic.

Mendelics
Classification: Pathogenic for Severe early-childhood-onset retinal dystrophy. Last evaluated: 2022-05-27. Review status: criteria provided, single submitter. Criteria: Mendelics Assertion Criteria 2017. Collection method: clinical testing. Allele origin: unknown.

Literature cited by the submitters: PubMed 30093795 (cited by Labcorp Genetics (formerly Invitae), Labcorp); PubMed 32619608 (cited by Labcorp Genetics (formerly Invitae), Labcorp).